The following is an entry in ClinVar:

ClinVar aggregate classification (germline): Conflicting classifications of pathogenicity. Review status: criteria provided, conflicting classifications (1 of 4 stars). 5 submissions from 5 submitters: Uncertain significance (3); Likely benign (2). Last evaluated 2026-05-01.

Conditions:
PLEC-related disorder. Also called: PLEC-related disorders; PLEC-related condition.
Epidermolysis bullosa simplex 5B, with muscular dystrophy (EBS5B). Also called: EPIDERMOLYSIS BULLOSA SIMPLEX AND LIMB-GIRDLE MUSCULAR DYSTROPHY; Epidermolysis bullosa simplex with muscular dystrophy. Identifiers: Orphanet 257, MedGen C2931072, MONDO:0009181, OMIM 226670.
Epidermolysis bullosa simplex, Ogna type (EBS5A). Also called: Pidermolysis bullosa simplex 5A, Ogna type; EPIDERMOLYSIS BULLOSA SIMPLEX 5A, OGNA TYPE. Identifiers: Orphanet 79401, MedGen C0432317, MONDO:0007555, OMIM 131950.
Epidermolysis bullosa simplex 5C, with pyloric atresia (EBS5C). Also called: PLEC1-Related Epidermolysis Bullosa with Pyloric Atresia; PLEC-Related Epidermolysis Bullosa with Pyloric Atresia; Epidermolysis bullosa simplex with pyloric atresia. Identifiers: Orphanet 158684, MedGen C2677349, MONDO:0012807, OMIM 612138.
Epidermolysis bullosa simplex with nail dystrophy (EBS5D). Identifiers: MedGen C4225309, MONDO:0014661, OMIM 616487.
Autosomal recessive limb-girdle muscular dystrophy type 2Q (LGMDR17). Also called: MUSCULAR DYSTROPHY, LIMB-GIRDLE, AUTOSOMAL RECESSIVE 17. Identifiers: Orphanet 254361, MedGen C3150989, MONDO:0013390, OMIM 613723.

Allele frequency attached by ClinVar (database versions not stated): gnomAD 0.00011 and 0.00013; gnomAD exomes 0.00011 and 0.00030; TOPMed 0.00011; ExAC 0.00042.
gnomAD v4.1: 171 of 1,596,584 alleles (0.011%); highest among the groups gnomAD compares: East Asian, 0.077%; no homozygotes.

Submissions (5):

CeGaT Center for Human Genetics Tuebingen
Classification: Uncertain significance. Last evaluated: 2026-05-01. Review status: criteria provided, single submitter. Criteria: CeGaT Center For Human Genetics Tuebingen Variant Classification Criteria Version 2. Collection method: clinical testing. Allele origin: germline. Affected: yes. Observed: 1 variant allele.
Comment: PLEC: PM2

PreventionGenetics, part of Exact Sciences
Classification: Likely benign for PLEC-related condition. Last evaluated: 2026-04-04. Review status: criteria provided, single submitter. Criteria: ACMG Guidelines, 2015. Collection method: clinical testing. Allele origin: germline.
Comment: This variant is classified as likely benign based on ACMG/AMP sequence variant interpretation guidelines (Richards et al. 2015 PMID: 25741868, with internal and published modifications).

Labcorp Genetics (formerly Invitae), Labcorp
Classification: Uncertain significance for Autosomal recessive limb-girdle muscular dystrophy type 2Q; Epidermolysis bullosa simplex, Ogna type; Epidermolysis bullosa simplex with nail dystrophy; Epidermolysis bullosa simplex 5C, with pyloric atresia; Epidermolysis bullosa simplex 5B, with muscular dystrophy. Last evaluated: 2025-11-27. Review status: criteria provided, single submitter. Criteria: Invitae Variant Classification Sherloc (09022015). Collection method: clinical testing. Allele origin: germline.
Comment: This sequence change replaces glycine, which is neutral and non-polar, with serine, which is neutral and polar, at codon 4523 of the PLEC protein (p.Gly4523Ser). This variant is present in population databases (rs782618187, gnomAD 0.1%). This variant has not been reported in the literature in individuals affected with PLEC-related conditions. ClinVar contains an entry for this variant (Variation ID: 538914). Experimental studies and prediction algorithms are not available or were not evaluated, and the functional significance of this variant is currently unknown. In summary, the available evidence is currently insufficient to determine the role of this variant in disease. Therefore, it has been classified as a Variant of Uncertain Significance.

Revvity Omics, Revvity
Classification: Uncertain significance. Last evaluated: 2025-06-18. Review status: criteria provided, single submitter. Criteria: ACMG Guidelines, 2015. Collection method: clinical testing. Allele origin: germline.

GeneDx
Classification: Likely benign. Last evaluated: 2018-04-06. Review status: criteria provided, single submitter. Criteria: GeneDx Variant Classification (06012015). Collection method: clinical testing. Allele origin: germline. Affected: yes.
Comment: This variant is considered likely benign or benign based on one or more of the following criteria: it is a conservative change, it occurs at a poorly conserved position in the protein, it is predicted to be benign by multiple in silico algorithms, and/or has population frequency not consistent with disease.

NM_201384.3(PLEC):c.13486G>A (p.Gly4496Ser)

Gene: PLEC (plectin; minus strand). Cytogenetic location: 8q24.3.
Variant type: single nucleotide variant.
Coding change: c.13486G>A on transcript NM_201384.3 (MANE Select); coding-DNA position 13486, G replaced by A.
Protein change: p.Gly4496Ser; replaces glycine 4496 with serine.
Molecular consequence: missense variant.
Genome position (GRCh38, 1-based): chr8:143,916,335, C>T on the plus strand (G>A on the coding strand, the complement: PLEC is on the minus strand). VCF-style: chr8-143916335-C-T. GRCh37 (hg19) VCF-style: chr8-144990503-C-T.
Other names: c.13567G>A, p.Gly4523Ser (NM_000445.5); c.13444G>A, p.Gly4482Ser (NM_201378.4); c.13420G>A, p.Gly4474Ser (NM_201379.3); c.13897G>A, p.Gly4633Ser (NM_201380.4); c.13390G>A, p.Gly4464Ser (NM_201381.3); c.13486G>A, p.Gly4496Ser (NM_201382.4); c.13498G>A, p.Gly4500Ser (NM_201383.3); short protein forms G4496S, G4500S, G4523S, G4474S, G4633S, G4464S, G4482S.
Identifiers: ClinVar variation 538914 (VCV000538914.15), dbSNP rs782618187, ClinGen allele CA4923784.